The following is an entry in ClinVar:

NM_198578.4(LRRK2):c.223G>C (p.Ala75Pro)

Gene: LRRK2 (leucine rich repeat kinase 2; plus strand). Cytogenetic location: 12q12.
Variant type: single nucleotide variant.
Coding change: c.223G>C on transcript NM_198578.4 (MANE Select); coding-DNA position 223, G replaced by C.
Protein change: p.Ala75Pro; replaces alanine 75 with proline.
Molecular consequence: missense variant.
Genome position (GRCh38, 1-based): chr12:40,225,626, G>C. VCF-style: chr12-40225626-G-C. GRCh37 (hg19) VCF-style: chr12-40619428-G-C.
Other names: short protein forms A75P.
Identifiers: ClinVar variation 3292009 (VCV003292009.1).

ClinVar aggregate classification (germline): Uncertain significance (1 of 4 stars; one submission).

Conditions:
Inborn genetic diseases. Identifiers: MedGen C0950123, MeSH D030342.

Submission:

Ambry Genetics
Classification: Uncertain significance for Inborn genetic diseases. Last evaluated: 2024-05-11. Review status: criteria provided, single submitter. Criteria: Ambry Variant Classification Scheme 2023. Collection method: clinical testing. Allele origin: germline.
Comment: The p.A75P variant (also known as c.223G>C), located in coding exon 2 of the LRRK2 gene, results from a G to C substitution at nucleotide position 223. The alanine at codon 75 is replaced by proline, an amino acid with highly similar properties. This amino acid position is conserved. In addition, the in silico prediction for this alteration is inconclusive. Based on the available evidence, the clinical significance of this variant remains unclear.